The following is an entry in ClinVar:

ClinVar aggregate classification (germline): Pathogenic (1 of 4 stars; one submission).

Submission:

Labcorp Genetics (formerly Invitae), Labcorp
Classification: Pathogenic. Last evaluated: 2025-07-15. Review status: criteria provided, single submitter. Criteria: Invitae Variant Classification Sherloc (09022015). Collection method: clinical testing. Allele origin: germline.
Comment: This sequence change creates a premature translational stop signal (p.Glu480Argfs*4) in the LRP5 gene. It is expected to result in an absent or disrupted protein product. Loss-of-function variants in LRP5 are known to be pathogenic (PMID: 11719191, 16252235, 25711638). This variant is not present in population databases (gnomAD no frequency). This variant has not been reported in the literature in individuals affected with LRP5-related conditions. For these reasons, this variant has been classified as Pathogenic.

Literature cited by the submitters: PubMed 11719191; PubMed 16252235; PubMed 25711638.

NM_002335.4(LRP5):c.1436dup (p.Glu480fs)

Gene: LRP5 (LDL receptor related protein 5; plus strand). Cytogenetic location: 11q13.2.
Variant type: Duplication.
Coding change: c.1436dup on transcript NM_002335.4 (MANE Select); coding-DNA position 1436, one base duplicated (G; older notation c.1436dupG).
Protein change: p.Glu480fs; shifts the reading frame from glutamic acid 480.
Molecular consequence: frameshift variant. On other transcripts: intron variant (1).
Genome position (GRCh38, 1-based): chr11:68,389,904, G duplicated; the last of 4 consecutive G bases (chr11:68,389,901-68,389,904); duplicating any one gives the same sequence. VCF-style (leftmost placement, unchanged base first): chr11-68389900-T-TG. GRCh37 (hg19) VCF-style: chr11-68157368-T-TG.
Other names: c.-354+3192dup (NM_001291902.2); short protein forms E480fs.
Identifiers: ClinVar variation 4723300 (VCV004723300.1).